The following is an entry in ClinVar:

NM_001166114.2(PNPLA6):c.3484G>T (p.Asp1162Tyr)

Gene: PNPLA6 (patatin like domain 6, lysophospholipase; plus strand). Cytogenetic location: 19p13.2.
Variant type: single nucleotide variant.
Coding change: c.3484G>T on transcript NM_001166114.2 (MANE Select); coding-DNA position 3484, G replaced by T.
Protein change: p.Asp1162Tyr; replaces aspartic acid 1162 with tyrosine.
Molecular consequence: missense variant.
Genome position (GRCh38, 1-based): chr19:7,558,936, G>T. VCF-style: chr19-7558936-G-T. GRCh37 (hg19) VCF-style: chr19-7623822-G-T.
Other names: c.3514G>T, p.Asp1172Tyr (NM_001166111.2); c.3289G>T, p.Asp1097Tyr (NM_001166112.2); c.3370G>T, p.Asp1124Tyr (NM_001166113.1, NM_006702.5); short protein forms D1162Y, D1172Y, D1097Y, D1124Y.
Identifiers: ClinVar variation 1480431 (VCV001480431.6), dbSNP rs2023998335, ClinGen allele CA403134769.

ClinVar aggregate classification (germline): Uncertain significance (1 of 4 stars; one submission).

Conditions:
Hereditary spastic paraplegia 39 (SPG39). Also called: Spastic Paraplegia Type 39 (SPG39); SPASTIC PARAPLEGIA 39, AUTOSOMAL RECESSIVE. Identifiers: Orphanet 139480, MedGen C2677586, MONDO:0012787, OMIM 612020.

Submission:

Labcorp Genetics (formerly Invitae), Labcorp
Classification: Uncertain significance for Hereditary spastic paraplegia 39. Last evaluated: 2024-02-16. Review status: criteria provided, single submitter. Criteria: Invitae Variant Classification Sherloc (09022015). Collection method: clinical testing. Allele origin: germline.
Comment: This sequence change replaces aspartic acid, which is acidic and polar, with tyrosine, which is neutral and polar, at codon 1124 of the PNPLA6 protein (p.Asp1124Tyr). This variant is not present in population databases (gnomAD no frequency). This variant has not been reported in the literature in individuals affected with PNPLA6-related conditions. ClinVar contains an entry for this variant (Variation ID: 1480431). Advanced modeling of protein sequence and biophysical properties (such as structural, functional, and spatial information, amino acid conservation, physicochemical variation, residue mobility, and thermodynamic stability) performed at Invitae indicates that this missense variant is expected to disrupt PNPLA6 protein function with a positive predictive value of 95%. In summary, the available evidence is currently insufficient to determine the role of this variant in disease. Therefore, it has been classified as a Variant of Uncertain Significance.